The following is an entry in ClinVar:

ClinVar aggregate classification (germline): Pathogenic (1 of 4 stars; one submission).

Conditions:
Familial cancer of breast. Also called: Hereditary breast cancer; hereditary breast carcinoma; BREAST CANCER, FAMILIAL. Identifiers: Orphanet 227535, MedGen C0346153, MONDO:0016419, OMIM 114480. Disease mechanism: loss of function.

Submission:

Labcorp Genetics (formerly Invitae), Labcorp
Classification: Pathogenic for Familial cancer of breast. Last evaluated: 2020-09-09. Review status: criteria provided, single submitter. Criteria: Invitae Variant Classification Sherloc (09022015). Collection method: clinical testing. Allele origin: germline.
Comment: For these reasons, this variant has been classified as Pathogenic. This variant is an in-frame deletion of the genomic region encompassing exons 6-8 of the CHEK2 gene. It preserves the integrity of the reading frame. This variant has not been reported in the literature in individuals with CHEK2-related conditions. The region of the CHEK2 gene that includes exon 7 has been determined to be clinically significant (PMID: 29785007). Therefore, deletions that encompass that region are likely to disrupt protein function and cause disease.

Literature cited by the submitters: PubMed 29785007.

NC_000022.10:g.(?_29099483)_(29108015_?)del

Gene: CHEK2 (checkpoint kinase 2; minus strand). Cytogenetic location: 22q12.1.
Variant type: Deletion.
Identifiers: ClinVar variation 1070868 (VCV001070868.8).